The following is an entry in ClinVar:

NM_001286.5(CLCN6):c.1171G>T (p.Val391Leu)

Gene: CLCN6 (chloride voltage-gated channel 6; plus strand). Cytogenetic location: 1p36.22.
Variant type: single nucleotide variant.
Coding change: c.1171G>T on transcript NM_001286.5 (MANE Select); coding-DNA position 1171, G replaced by T.
Protein change: p.Val391Leu; replaces valine 391 with leucine.
Molecular consequence: missense variant. On other transcripts: non-coding transcript variant (1).
Genome position (GRCh38, 1-based): chr1:11,829,245, G>T. VCF-style: chr1-11829245-G-T. GRCh37 (hg19) VCF-style: chr1-11889302-G-T.
Other names: c.1105G>T, p.Val369Leu (NM_001256959.2); short protein forms V391L, V369L.
Identifiers: ClinVar variation 1436814 (VCV001436814.6), dbSNP rs374620241, ClinGen allele CA596379.

ClinVar aggregate classification (germline): Uncertain significance (1 of 4 stars; one submission).

Allele frequency attached by ClinVar (database versions not stated): ExAC 0.00001; TOPMed 0.00002; gnomAD 0.00003; ESP Exome Variant Server 0.00008; 1000 Genomes Project 30x 0.00016; 1000 Genomes Project 0.00020.
gnomAD v4.1: 6 of 1,614,150 alleles (0.00037%); highest among the groups gnomAD compares: African/African-American, 0.008%; no homozygotes.

Submission:

Labcorp Genetics (formerly Invitae), Labcorp
Classification: Uncertain significance. Last evaluated: 2025-01-06. Review status: criteria provided, single submitter. Criteria: Invitae Variant Classification Sherloc (09022015). Collection method: clinical testing. Allele origin: germline.
Comment: This sequence change replaces valine, which is neutral and non-polar, with leucine, which is neutral and non-polar, at codon 391 of the CLCN6 protein (p.Val391Leu). This variant is present in population databases (rs374620241, gnomAD 0.007%). This variant has not been reported in the literature in individuals affected with CLCN6-related conditions. ClinVar contains an entry for this variant (Variation ID: 1436814). An algorithm developed to predict the effect of missense changes on protein structure and function (PolyPhen-2) suggests that this variant is likely to be tolerated. In summary, the available evidence is currently insufficient to determine the role of this variant in disease. Therefore, it has been classified as a Variant of Uncertain Significance.